The following is an entry in ClinVar:

NM_001144950.2(SSC5D):c.504C>T (p.Asn168=)

Gene: SSC5D (scavenger receptor cysteine rich family member with 5 domains; plus strand). Cytogenetic location: 19q13.42.
Variant type: single nucleotide variant.
Coding change: c.504C>T on transcript NM_001144950.2 (MANE Select); coding-DNA position 504, C replaced by T.
Protein change: p.Asn168=; no amino-acid change (asparagine 168 retained).
Molecular consequence: synonymous variant.
Genome position (GRCh38, 1-based): chr19:55,490,326, C>T. VCF-style: chr19-55490326-C-T. GRCh37 (hg19) VCF-style: chr19-56001693-C-T.
Other names: c.504C>T, p.Asn168= (NM_001195267.2).
Identifiers: ClinVar variation 3024837 (VCV003024837.22), dbSNP rs377361180, ClinGen allele CA9676357.

ClinVar aggregate classification (germline): Likely benign (1 of 4 stars; one submission).

Allele frequency attached by ClinVar (database versions not stated): ExAC 0.00063; 1000 Genomes Project 30x 0.00156; gnomAD 0.00159; 1000 Genomes Project 0.00180; ESP Exome Variant Server 0.00197; TOPMed 0.00199.
gnomAD v4.1: 505 of 1,468,840 alleles (0.034%); highest among the groups gnomAD compares: African/African-American, 0.5%; 1 homozygote.

Submission:

CeGaT Center for Human Genetics Tuebingen
Classification: Likely benign. Last evaluated: 2024-07-01. Review status: criteria provided, single submitter. Criteria: CeGaT Center For Human Genetics Tuebingen Variant Classification Criteria Version 2. Collection method: clinical testing. Allele origin: germline. Affected: yes. Observed: 1 variant allele.
Comment: SSC5D: BP4, BP7